The following is an entry in ClinVar:

ClinVar aggregate classification (germline): Uncertain significance. Review status: criteria provided, single submitter (1 of 4 stars). 2 submissions from 2 submitters: Uncertain significance (1). 1 of the submissions does not count toward it. Last evaluated 2022-10-17.

Conditions:
Fanconi anemia (FA). Also called: Fanconi's anemia. Identifiers: Orphanet 84, MedGen C0015625, MeSH D005199, MONDO:0019391.

gnomAD v4.1: 2 of 1,550,912 alleles (0.00013%); highest among the groups gnomAD compares: Admixed American, 0.0039%; no homozygotes.

Submissions (2):

Labcorp Genetics (formerly Invitae), Labcorp
Classification: Uncertain significance for Fanconi anemia. Last evaluated: 2022-10-17. Review status: criteria provided, single submitter. Criteria: Invitae Variant Classification Sherloc (09022015). Collection method: clinical testing. Allele origin: germline.
Comment: This sequence change replaces proline, which is neutral and non-polar, with histidine, which is basic and polar, at codon 667 of the FANCA protein (p.Pro667His). This variant is not present in population databases (gnomAD no frequency). This variant has not been reported in the literature in individuals affected with FANCA-related conditions. ClinVar contains an entry for this variant (Variation ID: 1035835). Advanced modeling of protein sequence and biophysical properties (such as structural, functional, and spatial information, amino acid conservation, physicochemical variation, residue mobility, and thermodynamic stability) performed at Invitae indicates that this missense variant is expected to disrupt FANCA protein function. In summary, the available evidence is currently insufficient to determine the role of this variant in disease. Therefore, it has been classified as a Variant of Uncertain Significance.

Natera, Inc.
Classification: Uncertain significance for Fanconi anemia. Last evaluated: 2020-06-26. Review status: no assertion criteria provided. Collection method: clinical testing. Allele origin: germline. Not counted in ClinVar's aggregate classification.

NM_000135.4(FANCA):c.2000C>A (p.Pro667His)

Gene: FANCA (FA complementation group A; minus strand). Cytogenetic location: 16q24.3.
Variant type: single nucleotide variant.
Coding change: c.2000C>A on transcript NM_000135.4 (MANE Select); coding-DNA position 2000, C replaced by A.
Protein change: p.Pro667His; replaces proline 667 with histidine.
Molecular consequence: missense variant.
Genome position (GRCh38, 1-based): chr16:89,773,285, G>T on the plus strand (C>A on the coding strand, the complement: FANCA is on the minus strand). VCF-style: chr16-89773285-G-T. GRCh37 (hg19) VCF-style: chr16-89839693-G-T.
Other names: c.2000C>A, p.Pro667His (NM_001286167.3); short protein forms P667H.
Identifiers: ClinVar variation 1035835 (VCV001035835.7), dbSNP rs755293596, ClinGen allele CA286568121.